The following is an entry in ClinVar:

NM_001042492.3(NF1):c.416_417dup (p.Gly140fs)

Gene: NF1 (neurofibromin 1; plus strand). Cytogenetic location: 17q11.2.
Variant type: Microsatellite.
Coding change: c.416_417dup on transcript NM_001042492.3 (MANE Select); coding-DNA positions 416 to 417, 2 bases duplicated (CT; older notation c.416_417dupCT).
Protein change: p.Gly140fs; shifts the reading frame from glycine 140.
Molecular consequence: frameshift variant.
Genome position (GRCh38, 1-based): chr17:31,163,313-31,163,314, CT duplicated; duplicating any 2 consecutive bases within chr17:31,163,311-31,163,314 gives the same sequence; the c. name uses the placement nearest the transcript's 3' end. VCF-style (leftmost placement, unchanged base first): chr17-31163310-C-CCT. GRCh37 (hg19) VCF-style: chr17-29490328-C-CCT.
Other names: c.416_417dup, p.Gly140fs (NM_000267.4, NM_001128147.3); short protein forms G140fs.
Identifiers: ClinVar variation 4710333 (VCV004710333.1).
Genomic context (GRCh38, chr17:31,163,310, plus strand): 5'-GCCATTTTCTTCACACCTGTCGTGAAGGAAACCAGCATGCAGCTGAACTTCGGAATTCTG[C>CCT]CTCTGGGGTTTTATTTTCTCTCAGCTGCAACAACTTCAATGCAGTCTTTAGTCGCATTTC-3'

ClinVar aggregate classification (germline): Pathogenic (1 of 4 stars; one submission).

Conditions:
Neurofibromatosis, type 1 (NF1). Also called: VON RECKLINGHAUSEN DISEASE; Peripheral type neurofibromatosis; NEUROFIBROMATOSIS, TYPE I, SOMATIC; Neurofibromatosis, type I. Identifiers: Orphanet 636, MedGen C0027831, MONDO:0018975, OMIM 162200. Disease mechanism: loss of function.

Submission:

Labcorp Genetics (formerly Invitae), Labcorp
Classification: Pathogenic for Neurofibromatosis, type 1. Last evaluated: 2025-05-13. Review status: criteria provided, single submitter. Criteria: Invitae Variant Classification Sherloc (09022015). Collection method: clinical testing. Allele origin: germline.
Comment: This sequence change creates a premature translational stop signal (p.Gly140Leufs*26) in the NF1 gene. It is expected to result in an absent or disrupted protein product. Loss-of-function variants in NF1 are known to be pathogenic (PMID: 10712197, 23913538). This variant is not present in population databases (gnomAD no frequency). This premature translational stop signal has been observed in individual(s) with neurofibromatosis type 1 (PMID: 12807981). This variant is also known as 413-414insCT. For these reasons, this variant has been classified as Pathogenic.

Literature cited by the submitters: PubMed 10712197; PubMed 23913538; PubMed 12807981.